The following is an entry in ClinVar:

ClinVar aggregate classification (germline): Likely benign (0 of 4 stars; one submission).

Conditions:
P4HA1-related disorder. Also called: P4HA1-related condition.

Allele frequency attached by ClinVar (database versions not stated): gnomAD 0.00001; ExAC 0.00003; TOPMed 0.00003.
gnomAD v4.1: 41 of 1,611,326 alleles (0.0025%); highest among the groups gnomAD compares: East Asian, 0.013%; 1 homozygote.

Submission:

PreventionGenetics, part of Exact Sciences
Classification: Likely benign for P4HA1-related condition. Last evaluated: 2019-02-18. Review status: no assertion criteria provided. Collection method: clinical testing. Allele origin: germline.
Comment: This variant is classified as likely benign based on ACMG/AMP sequence variant interpretation guidelines (Richards et al. 2015 PMID: 25741868, with internal and published modifications).

NM_001017962.3(P4HA1):c.1053C>T (p.Ile351=)

Gene: P4HA1 (prolyl 4-hydroxylase subunit alpha 1; minus strand). Cytogenetic location: 10q22.1.
Variant type: single nucleotide variant.
Coding change: c.1053C>T on transcript NM_001017962.3 (MANE Select); coding-DNA position 1053, C replaced by T.
Protein change: p.Ile351=; no amino-acid change (isoleucine 351 retained).
Molecular consequence: synonymous variant.
Genome position (GRCh38, 1-based): chr10:73,046,949, G>A on the plus strand (C>T on the coding strand, the complement: P4HA1 is on the minus strand). VCF-style: chr10-73046949-G-A. GRCh37 (hg19) VCF-style: chr10-74806707-G-A.
Other names: c.1053C>T, p.Ile351= (NM_000917.4, NM_001142595.2, NM_001142596.2).
Identifiers: ClinVar variation 3046975 (VCV003046975.2), dbSNP rs199872874, ClinGen allele CA5551596.